The following is an entry in ClinVar:

NM_001206927.2(DNAH8):c.13214C>T (p.Thr4405Met)

Gene: DNAH8 (dynein axonemal heavy chain 8; plus strand). Cytogenetic location: 6p21.2.
Variant type: single nucleotide variant.
Coding change: c.13214C>T on transcript NM_001206927.2 (MANE Select); coding-DNA position 13214, C replaced by T.
Protein change: p.Thr4405Met; replaces threonine 4405 with methionine.
Molecular consequence: missense variant.
Genome position (GRCh38, 1-based): chr6:38,990,172, C>T. VCF-style: chr6-38990172-C-T. GRCh37 (hg19) VCF-style: chr6-38957948-C-T.
Other names: c.12563C>T, p.Thr4188Met (NM_001371.4); short protein forms T4405M, T4188M.
Identifiers: ClinVar variation 696221 (VCV000696221.12), dbSNP rs115630842, ClinGen allele CA3791594.
Genomic context (GRCh38, chr6:38,990,172, plus strand): 5'-AGTCACTGCCATCCCTAGATAACCCTGAAGTCTTTGGGCTTCACCCTAATGCTGATATCA[C>T]GTAAGTCCCTGGCATTTTTTAATTTGAAGGGGTCATTTGTAACTCAGTCTGGCAAAGATG-3'
Protein context (NP_001193856.1, residues 4395-4415): VFGLHPNADI[Thr4405Met]YQSNTASAVL

ClinVar aggregate classification (germline): Likely benign. Review status: criteria provided, single submitter (1 of 4 stars). 2 submissions from 2 submitters: Likely benign (1). 1 of the submissions does not count toward it. Last evaluated 2025-10-08.

Conditions:
DNAH8-related disorder. Also called: DNAH8-related condition.
Primary ciliary dyskinesia. Also called: Ciliary dyskinesia. Identifiers: Orphanet 244, MedGen C0008780, MONDO:0016575, HP:0012265.

Allele frequency attached by ClinVar (database versions not stated): gnomAD exomes 0.00036; ExAC 0.00041; 1000 Genomes Project 0.00100; 1000 Genomes Project 30x 0.00109; ESP Exome Variant Server 0.00131; gnomAD 0.00133 and 0.00146; TOPMed 0.00133.
gnomAD v4.1: 571 of 1,592,030 alleles (0.036%); highest among the groups gnomAD compares: African/African-American, 0.42%; no homozygotes.

Submissions (2):

Labcorp Genetics (formerly Invitae), Labcorp
Classification: Likely benign for Primary ciliary dyskinesia. Last evaluated: 2025-10-08. Review status: criteria provided, single submitter. Criteria: Invitae Variant Classification Sherloc (09022015). Collection method: clinical testing. Allele origin: germline.

PreventionGenetics, part of Exact Sciences
Classification: Likely benign for DNAH8-related condition. Last evaluated: 2023-03-10. Review status: no assertion criteria provided. Collection method: clinical testing. Allele origin: germline. Not counted in ClinVar's aggregate classification.
Comment: This variant is classified as likely benign based on ACMG/AMP sequence variant interpretation guidelines (Richards et al. 2015 PMID: 25741868, with internal and published modifications).